The following is an entry in ClinVar:

ClinVar aggregate classification (germline): Uncertain significance. Review status: criteria provided, multiple submitters, no conflicts (2 of 4 stars). 2 submissions from 2 submitters: Uncertain significance (2). Last evaluated 2025-08-06.

Conditions:
Spastic paraplegia. Identifiers: MedGen C0037772, HP:0001258.
Inborn genetic diseases. Identifiers: MedGen C0950123, MeSH D030342.

Allele frequency attached by ClinVar (database versions not stated): gnomAD 0.00001; TOPMed 0.00002.
gnomAD v4.1: 14 of 1,614,082 alleles (0.00087%); highest among the groups gnomAD compares: Non-Finnish European, 0.0012%; no homozygotes.

Submissions (2):

Ambry Genetics
Classification: Uncertain significance for Inborn genetic diseases. Last evaluated: 2025-08-06. Review status: criteria provided, single submitter. Criteria: Ambry Variant Classification Scheme 2023. Collection method: clinical testing. Allele origin: germline.

Labcorp Genetics (formerly Invitae), Labcorp
Classification: Uncertain significance for Spastic paraplegia. Last evaluated: 2022-04-08. Review status: criteria provided, single submitter. Criteria: Invitae Variant Classification Sherloc (09022015). Collection method: clinical testing. Allele origin: germline.
Comment: This sequence change replaces histidine, which is basic and polar, with tyrosine, which is neutral and polar, at codon 2022 of the ZFYVE26 protein (p.His2022Tyr). This variant is not present in population databases (gnomAD no frequency). This variant has not been reported in the literature in individuals affected with ZFYVE26-related conditions. Algorithms developed to predict the effect of missense changes on protein structure and function (SIFT, PolyPhen-2, Align-GVGD) all suggest that this variant is likely to be tolerated. In summary, the available evidence is currently insufficient to determine the role of this variant in disease. Therefore, it has been classified as a Variant of Uncertain Significance.

NM_015346.4(ZFYVE26):c.6064C>T (p.His2022Tyr)

Gene: ZFYVE26 (zinc finger FYVE-type containing 26; minus strand). Cytogenetic location: 14q24.1.
Variant type: single nucleotide variant.
Coding change: c.6064C>T on transcript NM_015346.4 (MANE Select); coding-DNA position 6064, C replaced by T.
Protein change: p.His2022Tyr; replaces histidine 2022 with tyrosine.
Molecular consequence: missense variant.
Genome position (GRCh38, 1-based): chr14:67,762,767, G>A on the plus strand (C>T on the coding strand, the complement: ZFYVE26 is on the minus strand). VCF-style: chr14-67762767-G-A. GRCh37 (hg19) VCF-style: chr14-68229484-G-A.
Other names: c.6064C>T (NM_015346.3); short protein forms H2022Y.
Identifiers: ClinVar variation 2070760 (VCV002070760.2), dbSNP rs923140409, ClinGen allele CA262824250.